The following is an entry in ClinVar:

NM_000077.5(CDKN2A):c.286del (p.Val96fs)

Gene: CDKN2A (cyclin dependent kinase inhibitor 2A; minus strand). Cytogenetic location: 9p21.3.
Variant type: Deletion.
Coding change: c.286del on transcript NM_000077.5; coding-DNA position 286, one base deleted (G; older notation c.286delG).
Protein change: p.Val96fs; shifts the reading frame from valine 96.
Molecular consequence: frameshift variant (on NM_000077.4). On other transcripts: 3 prime UTR variant (1).
Genome position (GRCh38, 1-based): chr9:21,971,073, C deleted on the plus strand (G on the coding strand, the reverse complement: CDKN2A is on the minus strand); the first of 2 consecutive C bases (chr9:21,971,073-21,971,074); deleting either gives the same sequence. VCF-style (leftmost placement, unchanged base first): chr9-21971072-AC-A. GRCh37 (hg19) VCF-style: chr9-21971071-AC-A.
Other names: c.286delG (NM_000077.4); c.285delG, p.Val96Cysfs (NM_000077.6); c.286del, p.Val96fs (NM_001195132.2); c.133del, p.Val45fs (NM_001363763.2); c.329del, p.Gly110fs (NM_058195.4); c.*209del (NM_058197.5); short protein forms G110fs, V96fs, V45fs.
Identifiers: ClinVar variation 1797039 (VCV001797039.2), dbSNP rs2489275147, ClinGen allele CA2580080319.

ClinVar aggregate classification (germline): Pathogenic (1 of 4 stars; one submission).

Conditions:
Hereditary cancer-predisposing syndrome. Also called: Hereditary neoplastic syndrome; Neoplastic Syndromes, Hereditary; Tumor predisposition; Hereditary Cancer Syndrome. Identifiers: Orphanet 140162, MedGen C0027672, MeSH D009386, MONDO:0015356.

Submission:

Ambry Genetics
Classification: Pathogenic for Hereditary cancer-predisposing syndrome. Last evaluated: 2022-06-25. Review status: criteria provided, single submitter. Criteria: Ambry Variant Classification Scheme 2023. Collection method: clinical testing. Allele origin: germline.
Comment: The c.286delG pathogenic mutation, located in coding exon 2 of the CDKN2A gene, results from a deletion of one nucleotide at nucleotide position 286, causing a translational frameshift with a predicted alternate stop codon (p.V96Cfs*50). This mutation was reported in a proband with pancreatic cancer who had a family history of pancreatic cancer (Zhen DB et al. Genet Med, 2015 Jul;17:569-77). This alteration occurs at the 3' terminus of theCDKN2A gene and is not expected to trigger nonsense-mediated mRNA decay. However, premature stop codons are typically deleterious in nature and the impacted region is critical for protein function (Ambry internal data). In addition, another truncating alteration downstream, c.358delG, has been observed in at least one individual with a personal and/or family history that is consistent with CDKN2A-related disease (Puig S et al. Hum. Genet., 1997 Dec;101:359-64; De Unamuno B et al. Melanoma Res., 2018 06;28:246-249; de Torre C et al. Exp. Dermatol., 2010 Aug;19:e333-5). The c.286delG variant is considered to be rare based on population cohorts in the Genome Aggregation Database (gnomAD). Based on the supporting evidence, this alteration is interpreted as a disease-causing mutation.

Literature cited by the submitters: PubMed 25356972.